The following is an entry in ClinVar:

NM_000168.6(GLI3):c.1647+5G>T

Gene: GLI3 (GLI family zinc finger 3; minus strand). Cytogenetic location: 7p14.1.
Variant type: single nucleotide variant.
Coding change: c.1647+5G>T on transcript NM_000168.6 (MANE Select); 5 bases into the intron after coding-DNA position 1647, G replaced by T.
Molecular consequence: intron variant.
Genome position (GRCh38, 1-based): chr7:41,978,594, C>A on the plus strand (G>T on the coding strand, the complement: GLI3 is on the minus strand). VCF-style: chr7-41978594-C-A. GRCh37 (hg19) VCF-style: chr7-42018193-C-A.
Identifiers: ClinVar variation 3757271 (VCV003757271.2).

ClinVar aggregate classification (germline): Uncertain significance (1 of 4 stars; one submission).

Conditions:
Pallister-Hall syndrome (PHS). Also called: HYPOTHALAMIC HAMARTOBLASTOMA, HYPOPITUITARISM, IMPERFORATE ANUS, AND POSTAXIAL POLYDACTYLY; GLI3-Related Pallister-Hall Syndrome. Identifiers: Orphanet 672, MedGen C0265220, MONDO:0007804, OMIM 146510.
Greig cephalopolysyndactyly syndrome (GCPS). Also called: GLI3-Related Greig Cephalopolysyndactyly Syndrome; POLYSYNDACTYLY WITH PECULIAR SKULL SHAPE; Greig syndrome. Identifiers: Orphanet 380, MedGen C0265306, MONDO:0008287, OMIM 175700.

Submission:

Labcorp Genetics (formerly Invitae), Labcorp
Classification: Uncertain significance for Pallister-Hall syndrome; Greig cephalopolysyndactyly syndrome. Last evaluated: 2024-07-17. Review status: criteria provided, single submitter. Criteria: Invitae Variant Classification Sherloc (09022015). Collection method: clinical testing. Allele origin: germline.
Comment: This sequence change falls in intron 11 of the GLI3 gene. It does not directly change the encoded amino acid sequence of the GLI3 protein. It affects a nucleotide within the consensus splice site. This variant is not present in population databases (gnomAD no frequency). This variant has not been reported in the literature in individuals affected with GLI3-related conditions. Variants that disrupt the consensus splice site are a relatively common cause of aberrant splicing (PMID: 17576681, 9536098). Algorithms developed to predict the effect of sequence changes on RNA splicing suggest that this variant may disrupt the consensus splice site. In summary, the available evidence is currently insufficient to determine the role of this variant in disease. Therefore, it has been classified as a Variant of Uncertain Significance.

Literature cited by the submitters: PubMed 17576681; PubMed 9536098.